The following is an entry in ClinVar:

NC_000013.10:g.(?_48916729)_(48942746_?)dup

Gene: RB1 (RB transcriptional corepressor 1; plus strand). Cytogenetic location: 13q14.2.
Variant type: Duplication.
Identifiers: ClinVar variation 458112 (VCV000458112.7).

ClinVar aggregate classification (germline): Pathogenic (1 of 4 stars; one submission).

Conditions:
Retinoblastoma (RB1). Also called: RETINOBLASTOMA, SOMATIC. Identifiers: Orphanet 790, MedGen C0035335, MeSH D012175, MONDO:0008380, OMIM 180200, HP:0009919. Disease mechanism: loss of function. Inheritance: Both sporadic and heritable forms are tested..

Submission:

Labcorp Genetics (formerly Invitae), Labcorp
Classification: Pathogenic for Retinoblastoma. Last evaluated: 2021-01-05. Review status: criteria provided, single submitter. Criteria: Invitae Variant Classification Sherloc (09022015). Collection method: clinical testing. Allele origin: germline.
Comment: This variant has been observed in individual(s) with retinoblastoma (Invitae). For these reasons, this variant has been classified as Pathogenic. This variant results in a copy number gain of the genomic region encompassing exon(s) 3-11 of the RB1 gene. While the exact position of this variant cannot be determined from the data, sub-genic copy number gains are generally in tandem (PMID: 25640679). This variant is predicted to be out-of-frame, and may result in an absent or disrupted protein product. Loss-of-function variants in RB1 are known to be pathogenic (PMID: 17096365).

Literature cited by the submitters: PubMed 25640679; PubMed 17096365.